The following is an entry in ClinVar:

NM_014003.4(DHX38):c.3382-15C>G

Gene: DHX38 (DEAH-box helicase 38; plus strand). Cytogenetic location: 16q22.2.
Variant type: single nucleotide variant.
Coding change: c.3382-15C>G on transcript NM_014003.4 (MANE Select); 15 bases into the intron before coding-DNA position 3382, C replaced by G.
Molecular consequence: intron variant.
Genome position (GRCh38, 1-based): chr16:72,109,400, C>G. VCF-style: chr16-72109400-C-G. GRCh37 (hg19) VCF-style: chr16-72143299-C-G.
Identifiers: ClinVar variation 1974423 (VCV001974423.5), dbSNP rs2507123150, ClinGen allele CA2580092010.

ClinVar aggregate classification (germline): Uncertain significance (1 of 4 stars; one submission).

Submission:

Labcorp Genetics (formerly Invitae), Labcorp
Classification: Uncertain significance. Last evaluated: 2022-08-04. Review status: criteria provided, single submitter. Criteria: Invitae Variant Classification Sherloc (09022015). Collection method: clinical testing. Allele origin: germline.
Comment: In summary, the available evidence is currently insufficient to determine the role of this variant in disease. Therefore, it has been classified as a Variant of Uncertain Significance. Algorithms developed to predict the effect of sequence changes on RNA splicing suggest that this variant may create or strengthen a splice site. This variant has not been reported in the literature in individuals affected with DHX38-related conditions. This variant is not present in population databases (gnomAD no frequency). This sequence change falls in intron 24 of the DHX38 gene. It does not directly change the encoded amino acid sequence of the DHX38 protein.